The following is an entry in ClinVar:

ClinVar aggregate classification (germline): Uncertain significance (1 of 4 stars; one submission).

Allele frequency attached by ClinVar (database versions not stated): ExAC 0.00001.

Submission:

Labcorp Genetics (formerly Invitae), Labcorp
Classification: Uncertain significance. Last evaluated: 2024-02-24. Review status: criteria provided, single submitter. Criteria: Invitae Variant Classification Sherloc (09022015). Collection method: clinical testing. Allele origin: germline.
Comment: This sequence change replaces phenylalanine, which is neutral and non-polar, with isoleucine, which is neutral and non-polar, at codon 389 of the POLE2 protein (p.Phe389Ile). The frequency data for this variant in the population databases is considered unreliable, as metrics indicate poor data quality at this position in the gnomAD database. This variant has not been reported in the literature in individuals affected with POLE2-related conditions. ClinVar contains an entry for this variant (Variation ID: 2110602). An algorithm developed to predict the effect of missense changes on protein structure and function (PolyPhen-2) suggests that this variant is likely to be tolerated. In summary, the available evidence is currently insufficient to determine the role of this variant in disease. Therefore, it has been classified as a Variant of Uncertain Significance.

NM_002692.4(POLE2):c.1165T>A (p.Phe389Ile)

Gene: POLE2 (DNA polymerase epsilon 2, accessory subunit; minus strand). Cytogenetic location: 14q21.3.
Variant type: single nucleotide variant.
Coding change: c.1165T>A on transcript NM_002692.4 (MANE Select); coding-DNA position 1165, T replaced by A.
Protein change: p.Phe389Ile; replaces phenylalanine 389 with isoleucine.
Molecular consequence: missense variant.
Genome position (GRCh38, 1-based): chr14:49,654,036, A>T on the plus strand (T>A on the coding strand, the complement: POLE2 is on the minus strand). VCF-style: chr14-49654036-A-T. GRCh37 (hg19) VCF-style: chr14-50120754-A-T.
Other names: c.1087T>A, p.Phe363Ile (NM_001197330.2); c.1165T>A, p.Phe389Ile (NM_001197331.3); c.1162T>A, p.Phe388Ile (NM_001348384.2); c.934T>A, p.Phe312Ile (NM_001348385.2); short protein forms F388I, F389I, F312I, F363I.
Identifiers: ClinVar variation 2110602 (VCV002110602.4), dbSNP rs767539096, ClinGen allele CA7173350.